The following is an entry in ClinVar:

NM_138395.4(MARS2):c.1326T>C (p.Ala442=)

Gene: MARS2 (methionyl-tRNA synthetase 2, mitochondrial; plus strand). Cytogenetic location: 2q33.1.
Variant type: single nucleotide variant.
Coding change: c.1326T>C on transcript NM_138395.4 (MANE Select); coding-DNA position 1326, T replaced by C.
Protein change: p.Ala442=; no amino-acid change (alanine 442 retained).
Molecular consequence: synonymous variant.
Genome position (GRCh38, 1-based): chr2:197,706,731, T>C. VCF-style: chr2-197706731-T-C. GRCh37 (hg19) VCF-style: chr2-198571455-T-C.
Identifiers: ClinVar variation 3718269 (VCV003718269.2).

ClinVar aggregate classification (germline): Uncertain significance (1 of 4 stars; one submission).

gnomAD v4.1: 3 of 1,614,052 alleles (0.00019%); highest among the groups gnomAD compares: Admixed American, 0.0017%; no homozygotes.

Submission:

Labcorp Genetics (formerly Invitae), Labcorp
Classification: Uncertain significance. Last evaluated: 2024-10-24. Review status: criteria provided, single submitter. Criteria: Invitae Variant Classification Sherloc (09022015). Collection method: clinical testing. Allele origin: germline.
Comment: This sequence change affects codon 442 of the MARS2 mRNA. It is a 'silent' change, meaning that it does not change the encoded amino acid sequence of the MARS2 protein. This variant is present in population databases (no rsID available, gnomAD 0.0009%). This variant has not been reported in the literature in individuals affected with MARS2-related conditions. In summary, the available evidence is currently insufficient to determine the role of this variant in disease. Therefore, it has been classified as a Variant of Uncertain Significance.